The following is an entry in ClinVar:

ClinVar aggregate classification (germline): Likely pathogenic (1 of 4 stars; one submission).

Submission:

GeneDx
Classification: Likely pathogenic. Last evaluated: 2024-09-25. Review status: criteria provided, single submitter. Criteria: GeneDx Variant Classification Process June 2021. Collection method: clinical testing. Allele origin: germline. Affected: yes.
Comment: Has not been previously published as pathogenic or benign to our knowledge; Not observed at significant frequency in large population cohorts (gnomAD); Canonical splice site variant predicted to result in an in-frame loss of the adjacent exon in a gene for which loss of function is a known mechanism of disease

NM_080680.3(COL11A2):c.2169+1G>T

Gene: COL11A2 (collagen type XI alpha 2 chain; minus strand). Cytogenetic location: 6p21.32.
Variant type: single nucleotide variant.
Coding change: c.2169+1G>T on transcript NM_080680.3 (MANE Select); the canonical splice donor site of the intron after coding-DNA position 2169, G replaced by T.
Molecular consequence: splice donor variant.
Genome position (GRCh38, 1-based): chr6:33,176,432, C>A on the plus strand (G>T on the coding strand, the complement: COL11A2 is on the minus strand). VCF-style: chr6-33176432-C-A. GRCh37 (hg19) VCF-style: chr6-33144209-C-A.
Other names: c.1848+1G>T (NM_080679.3); c.1911+1G>T (NM_080681.3).
Identifiers: ClinVar variation 1187567 (VCV001187567.3), dbSNP rs2150568816, ClinGen allele CA363649682.